The following is an entry in ClinVar:

NM_015443.4(KANSL1):c.1004T>G (p.Leu335Trp)

Gene: KANSL1 (KAT8 regulatory NSL complex subunit 1). Cytogenetic location: 17q21.31.
Variant type: single nucleotide variant.
Coding change: c.1004T>G on transcript NM_015443.4 (MANE Select); coding-DNA position 1004, T replaced by G.
Protein change: p.Leu335Trp; replaces leucine 335 with tryptophan.
Molecular consequence: missense variant.
Genome position (GRCh38, 1-based): chr17:46,171,140, A>C on the plus strand (T>G on the coding strand, the complement: KANSL1 is on the minus strand). VCF-style: chr17-46171140-A-C. GRCh37 (hg19) VCF-style: chr17-44248506-A-C.
Other names: c.1004T>G, p.Leu335Trp (NM_001193465.2, NM_001193466.2, NM_001379198.1); short protein forms L335W.
Identifiers: ClinVar variation 1517688 (VCV001517688.1), dbSNP rs1344231808, ClinGen allele CA399979709.

ClinVar aggregate classification (germline): Uncertain significance (1 of 4 stars; one submission).

Conditions:
Koolen-de Vries syndrome (KDVS). Identifiers: Orphanet 96169, MedGen C1864871, MONDO:0012496, OMIM 610443.

Submission:

Labcorp Genetics (formerly Invitae), Labcorp
Classification: Uncertain significance for Koolen-de Vries syndrome. Last evaluated: 2021-07-04. Review status: criteria provided, single submitter. Criteria: Invitae Variant Classification Sherloc (09022015). Collection method: clinical testing. Allele origin: germline.
Comment: Due to the possible presence of a polymorphic segmental duplication, the location of the variant could not be unambiguously resolved. Variants with ambiguous mapping are still reported relative to the KANSL1 transcript. This sequence change replaces leucine with tryptophan at codon 335 of the KANSL1 protein (p.Leu335Trp). The leucine residue is highly conserved and there is a small physicochemical difference between leucine and tryptophan. The frequency data for this variant in the population databases (ExAC) is considered unreliable due to the presence of homologous sequence, such as pseudogenes or paralogs, in the genome. This variant has not been reported in the literature in individuals with KANSL1-related conditions. Algorithms developed to predict the effect of missense changes on protein structure and function (SIFT, PolyPhen-2, Align-GVGD) all suggest that this variant is likely to be disruptive. Until the location of this sequence change can be resolved, the clinical significance of this variant remains uncertain. It has been classified as a Variant of Uncertain Significance.